The following is an entry in ClinVar:

NM_018671.5(UNC45A):c.1195A>T (p.Ile399Phe)

Gene: UNC45A (unc-45 myosin chaperone A; plus strand). Cytogenetic location: 15q26.1.
Variant type: single nucleotide variant.
Coding change: c.1195A>T on transcript NM_018671.5 (MANE Select); coding-DNA position 1195, A replaced by T.
Protein change: p.Ile399Phe; replaces isoleucine 399 with phenylalanine.
Molecular consequence: missense variant.
Genome position (GRCh38, 1-based): chr15:90,945,059, A>T. VCF-style: chr15-90945059-A-T. GRCh37 (hg19) VCF-style: chr15-91488289-A-T.
Other names: c.1150A>T, p.Ile384Phe (NM_001039675.2, NM_001323621.2); c.1195A>T, p.Ile399Phe (NM_001323619.1); c.760A>T, p.Ile254Phe (NM_001323620.2); short protein forms I254F, I399F, I384F.
Identifiers: ClinVar variation 1365996 (VCV001365996.4), dbSNP rs200307245, ClinGen allele CA274745505.
Genomic context (GRCh38, chr15:90,945,059, plus strand): 5'-TTTGATGACCTCAAGTGTGATGCGGAGAGGGAGAATTTCCACAGACTTTGTGAAAACTAC[A>T]TCAAGTAAGGAAGTCTGTTTCACCTCCCGTTGCCAGGGATTCTAGCGAAAAAGTTCTGAC-3'
Protein context (NP_061141.2, residues 389-409): ENFHRLCENY[Ile399Phe]KSWFEGQGLA

ClinVar aggregate classification (germline): Uncertain significance (1 of 4 stars; one submission).

Allele frequency attached by ClinVar (database versions not stated): gnomAD 0.00001; gnomAD exomes 0.00001; TOPMed 0.00001.
gnomAD v4.1: 14 of 1,612,480 alleles (0.00087%); highest among the groups gnomAD compares: Non-Finnish European, 0.0012%; no homozygotes.

Submission:

Labcorp Genetics (formerly Invitae), Labcorp
Classification: Uncertain significance. Last evaluated: 2021-01-20. Review status: criteria provided, single submitter. Criteria: Invitae Variant Classification Sherloc (09022015). Collection method: clinical testing. Allele origin: germline.
Comment: In summary, the available evidence is currently insufficient to determine the role of this variant in disease. Therefore, it has been classified as a Variant of Uncertain Significance. Algorithms developed to predict the effect of missense changes on protein structure and function are either unavailable or do not agree on the potential impact of this missense change (SIFT: "Not Available"; PolyPhen-2: "Benign"; Align-GVGD: "Not Available"). This variant has not been reported in the literature in individuals with UNC45A-related conditions. This variant is not present in population databases (ExAC no frequency). This sequence change replaces isoleucine with phenylalanine at codon 399 of the UNC45A protein (p.Ile399Phe). The isoleucine residue is weakly conserved and there is a small physicochemical difference between isoleucine and phenylalanine.